The following is an entry in ClinVar:

NM_144997.7(FLCN):c.1291C>T (p.Leu431Phe)

Gene: FLCN (folliculin; minus strand). Cytogenetic location: 17p11.2.
Variant type: single nucleotide variant.
Coding change: c.1291C>T on transcript NM_144997.7 (MANE Select); coding-DNA position 1291, C replaced by T.
Protein change: p.Leu431Phe; replaces leucine 431 with phenylalanine.
Molecular consequence: missense variant.
Genome position (GRCh38, 1-based): chr17:17,216,389, G>A on the plus strand (C>T on the coding strand, the complement: FLCN is on the minus strand). VCF-style: chr17-17216389-G-A. GRCh37 (hg19) VCF-style: chr17-17119703-G-A.
Other names: c.1345C>T, p.Leu449Phe (NM_001353229.2); c.1291C>T, p.Leu431Phe (NM_001353230.2, NM_001353231.2); short protein forms L431F, L449F.
Identifiers: ClinVar variation 3346430 (VCV003346430.1).

ClinVar aggregate classification (germline): Uncertain significance (0 of 4 stars; one submission).

Conditions:
FLCN-related disorder. Also called: FLCN-related condition.

gnomAD v4.1: 1 of 1,613,498 alleles (0.000062%); no homozygotes.

Submission:

PreventionGenetics, part of Exact Sciences
Classification: Uncertain significance for FLCN-related condition. Last evaluated: 2024-04-27. Review status: no assertion criteria provided. Collection method: clinical testing. Allele origin: germline.
Comment: The FLCN c.1291C>T variant is predicted to result in the amino acid substitution p.Leu431Phe. To our knowledge, this variant has not been reported in the literature or in a large population database, indicating this variant is rare. At this time, the clinical significance of this variant is uncertain due to the absence of conclusive functional and genetic evidence.